The following is an entry in ClinVar:

NM_000138.5(FBN1):c.7114G>T (p.Gly2372Cys)

Gene: FBN1 (fibrillin 1; minus strand). Cytogenetic location: 15q21.1.
Variant type: single nucleotide variant.
Coding change: c.7114G>T on transcript NM_000138.5 (MANE Select); coding-DNA position 7114, G replaced by T.
Protein change: p.Gly2372Cys; replaces glycine 2372 with cysteine.
Molecular consequence: missense variant.
Genome position (GRCh38, 1-based): chr15:48,427,657, C>A on the plus strand (G>T on the coding strand, the complement: FBN1 is on the minus strand). VCF-style: chr15-48427657-C-A. GRCh37 (hg19) VCF-style: chr15-48719854-C-A.
Other names: c.7114G>T, p.Gly2372Cys (NM_001406716.1); short protein forms G2372C.
Identifiers: ClinVar variation 4813326 (VCV004813326.1).

ClinVar aggregate classification (germline): Likely pathogenic (1 of 4 stars; one submission).

Conditions:
Marfan syndrome (MFS). Also called: FBN1-Related Marfan Syndrome; MARFAN SYNDROME, TYPE I; Marfan syndrome type 1; Marfan's syndrome; Marfan syndrome, classic. Identifiers: Orphanet 284963, Orphanet 558, MedGen C0024796, MONDO:0007947, OMIM 154700.

Submission:

Clinical Genetic Center, Kansai Medical University
Classification: Likely pathogenic for Marfan syndrome. Last evaluated: 2026-02-26. Review status: criteria provided, single submitter. Criteria: ACMG Guidelines, 2015. Collection method: clinical testing. Allele origin: germline. Inheritance: Autosomal dominant inheritance. Affected: yes. Observed: 1 variant allele.
Comment: • PM1 (Mod): Cys-creating variant in TB domain. • PM5 (Mod): p.Gly2372Val is Pathogenic. • PM2_sup, PP3.